The following is an entry in ClinVar:

ClinVar aggregate classification (germline): Uncertain significance (1 of 4 stars; one submission).

Conditions:
UNC13A-related disorder. Also called: UNC13A-related condition.

Allele frequency attached by ClinVar (database versions not stated): gnomAD exomes below 0.00001; TOPMed below 0.00001.
gnomAD v4.1: 1 of 1,552,630 alleles (0.000064%); highest among the groups gnomAD compares: Non-Finnish European, 0.000087%; no homozygotes.

Submission:

PreventionGenetics, part of Exact Sciences
Classification: Uncertain significance for UNC13A-related condition. Last evaluated: 2023-05-22. Review status: criteria provided, single submitter. Criteria: ACMG Guidelines, 2015. Collection method: clinical testing. Allele origin: germline.
Comment: The UNC13A c.1057G>A variant is predicted to result in the amino acid substitution p.Asp353Asn. To our knowledge, this variant has not been reported in the literature or in a large population database, indicating this variant is rare. At this time, the clinical significance of this variant is uncertain due to the absence of conclusive functional and genetic evidence.

NM_001080421.3(UNC13A):c.1057G>A (p.Asp353Asn)

Gene: UNC13A (unc-13 homolog A; minus strand). Cytogenetic location: 19p13.11.
Variant type: single nucleotide variant.
Coding change: c.1057G>A on transcript NM_001080421.3 (MANE Select); coding-DNA position 1057, G replaced by A.
Protein change: p.Asp353Asn; replaces aspartic acid 353 with asparagine.
Molecular consequence: missense variant.
Genome position (GRCh38, 1-based): chr19:17,656,109, C>T on the plus strand (G>A on the coding strand, the complement: UNC13A is on the minus strand). VCF-style: chr19-17656109-C-T. GRCh37 (hg19) VCF-style: chr19-17766918-C-T.
Other names: c.1057G>A, p.Asp353Asn (NM_001387021.1, NM_001387022.1, NM_001387023.1); short protein forms D353N.
Identifiers: ClinVar variation 2632602 (VCV002632602.1), dbSNP rs2079447442, ClinGen allele CA404734555.